The following is an entry in ClinVar:

ClinVar aggregate classification (germline): Likely benign (1 of 4 stars; one submission).

gnomAD v4.1: 3 of 1,613,378 alleles (0.00019%); highest among the groups gnomAD compares: East Asian, 0.0022%; no homozygotes.

Submission:

Women's Health and Genetics/Laboratory Corporation of America, LabCorp
Classification: Likely benign. Last evaluated: 2024-03-09. Review status: criteria provided, single submitter. Criteria: LabCorp Variant Classification Summary - May 2015. Collection method: clinical testing. Allele origin: germline.
Comment: Variant summary: LAMA2 c.7888C>A alters a conserved nucleotide resulting in a synonymous change. Consensus agreement among computation tools predict no significant impact on normal splicing. However, these predictions have yet to be confirmed by functional studies. The variant was absent in 251040 control chromosomes. The available data on variant occurrences in the general population are insufficient to allow any conclusion about variant significance. To our knowledge, no occurrence of c.7888C>A in individuals affected with Laminin Alpha 2-Related Dystrophy and no experimental evidence demonstrating its impact on protein function have been reported. No submitters have cited clinical-significance assessments for this variant to ClinVar. Based on the evidence outlined above, the variant was classified as likely benign.

NM_000426.4(LAMA2):c.7888C>A (p.Arg2630=)

Gene: LAMA2 (laminin subunit alpha 2; plus strand). Cytogenetic location: 6q22.33.
Variant type: single nucleotide variant.
Coding change: c.7888C>A on transcript NM_000426.4 (MANE Select); coding-DNA position 7888, C replaced by A.
Protein change: p.Arg2630=; no amino-acid change (arginine 2630 retained).
Molecular consequence: synonymous variant.
Genome position (GRCh38, 1-based): chr6:129,486,612, C>A. VCF-style: chr6-129486612-C-A. GRCh37 (hg19) VCF-style: chr6-129807757-C-A.
Other names: c.7876C>A, p.Arg2626= (NM_001079823.2).
Identifiers: ClinVar variation 3233547 (VCV003233547.2), dbSNP rs727502851, ClinGen allele CA451934785.